The following is an entry in ClinVar:

NM_201384.3(PLEC):c.9743G>A (p.Gly3248Asp)

Gene: PLEC (plectin; minus strand). Cytogenetic location: 8q24.3.
Variant type: single nucleotide variant.
Coding change: c.9743G>A on transcript NM_201384.3 (MANE Select); coding-DNA position 9743, G replaced by A.
Protein change: p.Gly3248Asp; replaces glycine 3248 with aspartic acid.
Molecular consequence: missense variant.
Genome position (GRCh38, 1-based): chr8:143,920,078, C>T on the plus strand (G>A on the coding strand, the complement: PLEC is on the minus strand). VCF-style: chr8-143920078-C-T. GRCh37 (hg19) VCF-style: chr8-144994246-C-T.
Other names: c.9824G>A (NM_000445.4); c.9824G>A, p.Gly3275Asp (NM_000445.5); c.6443G>A, p.Gly2148Asp (NM_001410941.1); c.9701G>A, p.Gly3234Asp (NM_201378.4); c.9677G>A, p.Gly3226Asp (NM_201379.3); c.10154G>A, p.Gly3385Asp (NM_201380.4); c.9647G>A, p.Gly3216Asp (NM_201381.3); c.9743G>A, p.Gly3248Asp (NM_201382.4); and 1 more; short protein forms G3385D, G2148D, G3248D, G3216D, G3234D, G3226D, G3252D, G3275D.
Identifiers: ClinVar variation 2947600 (VCV002947600.5), dbSNP rs2537323194, ClinGen allele CA372506986.

ClinVar aggregate classification (germline): Uncertain significance. Review status: criteria provided, single submitter (1 of 4 stars). 2 submissions from 2 submitters: Uncertain significance (1). 1 of the submissions does not count toward it. Last evaluated 2023-12-18.

Conditions:
Epidermolysis bullosa simplex 5C, with pyloric atresia (EBS5C). Also called: Epidermolysis bullosa simplex with pyloric atresia; PLEC-Related Epidermolysis Bullosa with Pyloric Atresia; PLEC1-Related Epidermolysis Bullosa with Pyloric Atresia. Identifiers: Orphanet 158684, MedGen C2677349, MONDO:0012807, OMIM 612138.
Epidermolysis bullosa simplex with nail dystrophy (EBS5D). Identifiers: MedGen C4225309, MONDO:0014661, OMIM 616487.
Epidermolysis bullosa simplex 5B, with muscular dystrophy (EBS5B). Also called: EPIDERMOLYSIS BULLOSA SIMPLEX AND LIMB-GIRDLE MUSCULAR DYSTROPHY; Epidermolysis bullosa simplex with muscular dystrophy. Identifiers: Orphanet 257, MedGen C2931072, MONDO:0009181, OMIM 226670.
Epidermolysis bullosa simplex, Ogna type (EBS5A). Also called: EPIDERMOLYSIS BULLOSA SIMPLEX 5A, OGNA TYPE; Pidermolysis bullosa simplex 5A, Ogna type. Identifiers: Orphanet 79401, MedGen C0432317, MONDO:0007555, OMIM 131950.
Autosomal recessive limb-girdle muscular dystrophy type 2Q (LGMDR17). Also called: MUSCULAR DYSTROPHY, LIMB-GIRDLE, AUTOSOMAL RECESSIVE 17. Identifiers: Orphanet 254361, MedGen C3150989, MONDO:0013390, OMIM 613723.
PLEC-related disorder. Also called: PLEC-related disorders; PLEC-related condition.

Submissions (2):

Labcorp Genetics (formerly Invitae), Labcorp
Classification: Uncertain significance for Autosomal recessive limb-girdle muscular dystrophy type 2Q; Epidermolysis bullosa simplex, Ogna type; Epidermolysis bullosa simplex with nail dystrophy; Epidermolysis bullosa simplex 5C, with pyloric atresia; Epidermolysis bullosa simplex 5B, with muscular dystrophy. Last evaluated: 2023-12-18. Review status: criteria provided, single submitter. Criteria: Invitae Variant Classification Sherloc (09022015). Collection method: clinical testing. Allele origin: germline.
Comment: This sequence change replaces glycine, which is neutral and non-polar, with aspartic acid, which is acidic and polar, at codon 3275 of the PLEC protein (p.Gly3275Asp). This variant is not present in population databases (gnomAD no frequency). This variant has not been reported in the literature in individuals affected with PLEC-related conditions. An algorithm developed to predict the effect of missense changes on protein structure and function (PolyPhen-2) suggests that this variant is likely to be disruptive. In summary, the available evidence is currently insufficient to determine the role of this variant in disease. Therefore, it has been classified as a Variant of Uncertain Significance.

PreventionGenetics, part of Exact Sciences
Classification: Uncertain significance for PLEC-related condition. Last evaluated: 2024-01-05. Review status: no assertion criteria provided. Collection method: clinical testing. Allele origin: germline. Not counted in ClinVar's aggregate classification.
Comment: The PLEC c.9824G>A variant is predicted to result in the amino acid substitution p.Gly3275Asp. To our knowledge, this variant has not been reported in the literature or in a large population database, indicating this variant is rare. At this time, the clinical significance of this variant is uncertain due to the absence of conclusive functional and genetic evidence.